The following is an entry in ClinVar:

NM_206933.4(USH2A):c.4252-1G>A

Gene: USH2A (usherin; minus strand). Cytogenetic location: 1q41.
Variant type: single nucleotide variant.
Coding change: c.4252-1G>A on transcript NM_206933.4 (MANE Select); the canonical splice acceptor site of the intron before coding-DNA position 4252, G replaced by A.
Molecular consequence: splice acceptor variant.
Genome position (GRCh38, 1-based): chr1:216,190,368, C>T on the plus strand (G>A on the coding strand, the complement: USH2A is on the minus strand). VCF-style: chr1-216190368-C-T. GRCh37 (hg19) VCF-style: chr1-216363710-C-T.
Other names: c.4252-1G>A (NM_007123.6).
Identifiers: ClinVar variation 2202964 (VCV002202964.5), dbSNP rs2528020496, ClinGen allele CA344865627.
Genomic context (GRCh38, chr1:216,190,368, plus strand): 5'-ATAAGGTTTCAGTCCTTCTACAGTGTAAGATAGTTCTTGGGATTTAGCAGTGTGCAACAG[C>T]TTCAAGGCAAAAAAGAAAGAAAGAAAGAAAGAAAGATAATAGGTAATCAGTGTGAAAATA-3'

ClinVar aggregate classification (germline): Likely pathogenic. Review status: criteria provided, multiple submitters, no conflicts (2 of 4 stars). 2 submissions from 2 submitters: Likely pathogenic (2). Last evaluated 2024-03-07.

Conditions:
Retinitis pigmentosa 39 (RP39). Identifiers: Orphanet 791, MedGen C3151138, MONDO:0013436, OMIM 613809.
Usher syndrome type 2A. Also called: USHER SYNDROME, TYPE IIA; RETINAL DISEASE IN USHER SYNDROME TYPE IIA, MODIFIER OF. Identifiers: Orphanet 231178, Orphanet 886, MedGen C1848634, MONDO:0010169, OMIM 276901.

gnomAD v4.1: 1 of 1,610,218 alleles (0.000062%); highest among the groups gnomAD compares: Non-Finnish European, 0.000085%; no homozygotes.

Submissions (2):

Fulgent Genetics
Classification: Likely pathogenic for Usher syndrome type 2A; Retinitis pigmentosa 39. Last evaluated: 2024-03-07. Review status: criteria provided, single submitter. Criteria: ACMG Guidelines, 2015. Collection method: clinical testing. Allele origin: germline.

Labcorp Genetics (formerly Invitae), Labcorp
Classification: Likely pathogenic. Last evaluated: 2022-01-16. Review status: criteria provided, single submitter. Criteria: Invitae Variant Classification Sherloc (09022015). Collection method: clinical testing. Allele origin: germline.
Comment: This sequence change affects an acceptor splice site in intron 19 of the USH2A gene. It is expected to disrupt RNA splicing. Variants that disrupt the donor or acceptor splice site typically lead to a loss of protein function (PMID: 16199547), and loss-of-function variants in USH2A are known to be pathogenic (PMID: 10729113, 10909849, 20507924, 25649381). This variant is not present in population databases (gnomAD no frequency). Disruption of this splice site has been observed in individual(s) with Usher syndrome (PMID: 16963483). Algorithms developed to predict the effect of sequence changes on RNA splicing suggest that this variant may disrupt the consensus splice site. In summary, the currently available evidence indicates that the variant is pathogenic, but additional data are needed to prove that conclusively. Therefore, this variant has been classified as Likely Pathogenic.

Literature cited by the submitters: PubMed 16199547 (cited by Labcorp Genetics (formerly Invitae), Labcorp); PubMed 10729113 (cited by Labcorp Genetics (formerly Invitae), Labcorp); PubMed 10909849 (cited by Labcorp Genetics (formerly Invitae), Labcorp); PubMed 20507924 (cited by Labcorp Genetics (formerly Invitae), Labcorp); PubMed 25649381 (cited by Labcorp Genetics (formerly Invitae), Labcorp); PubMed 16963483 (cited by Labcorp Genetics (formerly Invitae), Labcorp).